The following is an entry in ClinVar:

ClinVar aggregate classification (germline): Uncertain significance (1 of 4 stars; one submission).

Conditions:
Spermatogenic failure 18. Identifiers: MedGen C4539783, MONDO:0054615, OMIM 617576.
Ciliary dyskinesia, primary, 37 (CILD37). Also called: CILIARY DYSKINESIA, PRIMARY, 37, WITH OR WITHOUT SITUS INVERSUS. Identifiers: MedGen C4539798, MONDO:0033204, OMIM 617577.

Allele frequency attached by ClinVar (database versions not stated): gnomAD exomes below 0.00001.

Submission:

Labcorp Genetics (formerly Invitae), Labcorp
Classification: Uncertain significance for Ciliary dyskinesia, primary, 37; Spermatogenic failure 18. Last evaluated: 2019-10-25. Review status: criteria provided, single submitter. Criteria: Invitae Variant Classification Sherloc (09022015). Collection method: clinical testing. Allele origin: germline.
Comment: In summary, the available evidence is currently insufficient to determine the role of this variant in disease. Therefore, it has been classified as a Variant of Uncertain Significance. Algorithms developed to predict the effect of missense changes on protein structure and function are either unavailable or do not agree on the potential impact of this missense change (SIFT: "Deleterious"; PolyPhen-2: "Benign"; Align-GVGD: "Class C15"). This variant has not been reported in the literature in individuals with DNAH1-related conditions. This variant is not present in population databases (ExAC no frequency). This sequence change replaces phenylalanine with leucine at codon 907 of the DNAH1 protein (p.Phe907Leu). The phenylalanine residue is highly conserved and there is a small physicochemical difference between phenylalanine and leucine.

NM_015512.5(DNAH1):c.2721C>G (p.Phe907Leu)

Gene: DNAH1 (dynein axonemal heavy chain 1; plus strand). Cytogenetic location: 3p21.1.
Variant type: single nucleotide variant.
Coding change: c.2721C>G on transcript NM_015512.5 (MANE Select); coding-DNA position 2721, C replaced by G.
Protein change: p.Phe907Leu; replaces phenylalanine 907 with leucine.
Molecular consequence: missense variant.
Genome position (GRCh38, 1-based): chr3:52,350,582, C>G. VCF-style: chr3-52350582-C-G. GRCh37 (hg19) VCF-style: chr3-52384598-C-G.
Other names: short protein forms F907L.
Identifiers: ClinVar variation 962519 (VCV000962519.7), dbSNP rs1702334172, ClinGen allele CA353105419.